The following is an entry in ClinVar:

ClinVar aggregate classification (germline): Conflicting classifications of pathogenicity. Review status: criteria provided, conflicting classifications (1 of 4 stars). 5 submissions from 5 submitters: Uncertain significance (4); Likely benign (1). Last evaluated 2026-07-23.

Conditions:
TTN-related disorder. Also called: TTN-related condition; TTN-related disease; TTN-related disorders.
Autosomal recessive limb-girdle muscular dystrophy type 2J (LGMDR10). Also called: Limb-girdle muscular dystrophy, type 2J; MUSCULAR DYSTROPHY, LIMB-GIRDLE, AUTOSOMAL RECESSIVE 10. Identifiers: Orphanet 140922, MedGen C1837342, MONDO:0012127, OMIM 608807.
Dilated cardiomyopathy 1G (CMD1G). Identifiers: Orphanet 154, MedGen C1858763, MONDO:0011400, OMIM 604145.

Allele frequency attached by ClinVar (database versions not stated): ExAC 0.00006; ESP Exome Variant Server 0.00008; TOPMed 0.00015.
gnomAD v4.1: 55 of 1,575,204 alleles (0.0035%); highest among the groups gnomAD compares: African/African-American, 0.069%; no homozygotes.

Submissions (5):

PreventionGenetics, part of Exact Sciences
Classification: Uncertain significance for TTN-related condition. Last evaluated: 2026-07-23. Review status: criteria provided, single submitter. Criteria: ACMG Guidelines, 2015. Collection method: clinical testing. Allele origin: germline.
Comment: The TTN c.28754A>G variant is predicted to result in the amino acid substitution p.Glu9585Gly. To our knowledge, this variant has not been reported in the literature. This variant is reported in 0.071% of alleles in individuals of African descent in gnomAD. Although we suspect that this variant may be benign, at this time, the clinical significance of this variant is uncertain due to the absence of conclusive functional and genetic evidence.

Women's Health and Genetics/Laboratory Corporation of America, LabCorp
Classification: Uncertain significance. Last evaluated: 2024-06-24. Review status: criteria provided, single submitter. Criteria: LabCorp Variant Classification Summary - May 2015. Collection method: clinical testing. Allele origin: germline.
Comment: Variant summary: TTN c.25022A>G (p.Glu8341Gly) results in a non-conservative amino acid change located in the I-band of the encoded protein sequence. Two of three in-silico tools predict a damaging effect of the variant on protein function. Consensus agreement among computation tools predict no significant impact on normal splicing. However, these predictions have yet to be confirmed by functional studies. The variant allele was found at a frequency of 4.4e-05 in 227618 control chromosomes (gnomAD). This frequency is not significantly higher than estimated for a pathogenic variant in TTN causing Limb-Girdle Muscular Dystrophy, Type 2J, allowing no conclusion about variant significance. To our knowledge, no occurrence of c.25022A>G in individuals affected with Limb-Girdle Muscular Dystrophy, Type 2J and no experimental evidence demonstrating its impact on protein function have been reported. ClinVar contains an entry for this variant (Variation ID: 466982). Based on the evidence outlined above, the variant was classified as uncertain significance.

Labcorp Genetics (formerly Invitae), Labcorp
Classification: Uncertain significance for Dilated cardiomyopathy 1G; Autosomal recessive limb-girdle muscular dystrophy type 2J. Last evaluated: 2017-12-27. Review status: criteria provided, single submitter. Criteria: Invitae Variant Classification Sherloc (09022015). Collection method: clinical testing. Allele origin: germline.

GeneDx
Classification: Likely benign. Last evaluated: 2017-11-28. Review status: criteria provided, single submitter. Criteria: GeneDx Variant Classification (06012015). Collection method: clinical testing. Allele origin: germline. Affected: yes.
Comment: This variant is considered likely benign or benign based on one or more of the following criteria: it is a conservative change, it occurs at a poorly conserved position in the protein, it is predicted to be benign by multiple in silico algorithms, and/or has population frequency not consistent with disease.

Eurofins Ntd Llc (ga)
Classification: Uncertain significance. Last evaluated: 2017-06-14. Review status: criteria provided, single submitter. Criteria: EGL Classification Definitions 2015. Collection method: clinical testing. Allele origin: germline. Observed: 1 variant allele, 1 heterozygote.

NM_001267550.2(TTN):c.28754A>G (p.Glu9585Gly)

Gene: TTN (titin; minus strand). Cytogenetic location: 2q31.2.
Variant type: single nucleotide variant.
Coding change: c.28754A>G on transcript NM_001267550.2 (MANE Select); coding-DNA position 28754, A replaced by G.
Protein change: p.Glu9585Gly; replaces glutamic acid 9585 with glycine.
Molecular consequence: missense variant. On other transcripts: intron variant (3).
Genome position (GRCh38, 1-based): chr2:178,707,813, T>C on the plus strand (A>G on the coding strand, the complement: TTN is on the minus strand). VCF-style: chr2-178707813-T-C. GRCh37 (hg19) VCF-style: chr2-179572540-T-C.
Other names: c.27803A>G, p.Glu9268Gly (NM_001256850.1); c.25022A>G, p.Glu8341Gly (NM_133378.4); c.13282+30269A>G (NM_003319.4); c.13858+30269A>G (NM_133437.4); c.13657+30269A>G (NM_133432.3); short protein forms E9585G, E8341G, E9268G.
Identifiers: ClinVar variation 466982 (VCV000466982.9), dbSNP rs200856239, ClinGen allele CA1999522.
Genomic context (GRCh38, chr2:178,707,813, plus strand): 5'-TCTCCTTCACTCACTGTTACTGGAGTAAGGTGCTGATCAAATACAGGTGGCTTCTTAGGT[T>C]CTGGAATTGAAAAGGTATTTTCATGAGGAACATAAAGGCAAAAAAGTATTAAATTCCACA-3'
Protein context (NP_001254479.2, residues 9575-9595): ALCTSSIVIK[Glu9585Gly]PKKPPVFDQH